The following is an entry in ClinVar:

ClinVar aggregate classification (germline): Uncertain significance (1 of 4 stars; one submission).

Conditions:
Inborn genetic diseases. Identifiers: MedGen C0950123, MeSH D030342.

gnomAD v4.1: 1 of 1,614,144 alleles (0.000062%); highest among the groups gnomAD compares: African/African-American, 0.0013%; no homozygotes.

Submission:

Ambry Genetics
Classification: Uncertain significance for Inborn genetic diseases. Last evaluated: 2024-12-12. Review status: criteria provided, single submitter. Criteria: Ambry Variant Classification Scheme 2023. Collection method: clinical testing. Allele origin: germline.
Comment: The p.R237C variant (also known as c.709C>T), located in coding exon 6 of the BMPR2 gene, results from a C to T substitution at nucleotide position 709. The arginine at codon 237 is replaced by cysteine, an amino acid with highly dissimilar properties. This amino acid position is conserved. In addition, the in silico prediction for this alteration is inconclusive. Based on the available evidence, the clinical significance of this variant remains unclear.

NM_001204.7(BMPR2):c.709C>T (p.Arg237Cys)

Gene: BMPR2 (bone morphogenetic protein receptor type 2; plus strand). Cytogenetic location: 2q33.2.
Variant type: single nucleotide variant.
Coding change: c.709C>T on transcript NM_001204.7 (MANE Select); coding-DNA position 709, C replaced by T.
Protein change: p.Arg237Cys; replaces arginine 237 with cysteine.
Molecular consequence: missense variant.
Genome position (GRCh38, 1-based): chr2:202,518,909, C>T. VCF-style: chr2-202518909-C-T. GRCh37 (hg19) VCF-style: chr2-203383632-C-T.
Other names: short protein forms R237C.
Identifiers: ClinVar variation 3824733 (VCV003824733.1).
Genomic context (GRCh38, chr2:202,518,909, plus strand): 5'-GTATATAAAGGCTCCTTGGATGAGCGTCCAGTTGCTGTAAAAGTGTTTTCCTTTGCAAAC[C>T]GTCAGAATTTTATCAACGAAAAGAACATTTACAGAGTGCCTTTGATGGAACATGACAACA-3'
Protein context (NP_001195.2, residues 227-247): VAVKVFSFAN[Arg237Cys]QNFINEKNIY